The following is an entry in ClinVar:

ClinVar aggregate classification (germline): Uncertain significance (1 of 4 stars; one submission).

Allele frequency attached by ClinVar (database versions not stated): gnomAD exomes below 0.00001; TOPMed below 0.00001; gnomAD 0.00001.
gnomAD v4.1: 4 of 1,612,150 alleles (0.00025%); highest among the groups gnomAD compares: Admixed American, 0.0017%; no homozygotes.

Submission:

Ambry Genetics
Classification: Uncertain significance. Last evaluated: 2024-09-23. Review status: criteria provided, single submitter. Criteria: Ambry Variant Classification Scheme 2023. Collection method: clinical testing. Allele origin: germline.
Comment: The p.V608L variant (also known as c.1822G>T), located in coding exon 12 of the POLQ gene, results from a G to T substitution at nucleotide position 1822. The valine at codon 608 is replaced by leucine, an amino acid with highly similar properties. This amino acid position is conserved. In addition, this alteration is predicted to be tolerated by in silico analysis. Since supporting evidence is limited at this time, the clinical significance of this alteration remains unclear.

NM_199420.4(POLQ):c.1822G>T (p.Val608Leu)

Gene: POLQ (DNA polymerase theta; minus strand). Cytogenetic location: 3q13.33.
Variant type: single nucleotide variant.
Coding change: c.1822G>T on transcript NM_199420.4 (MANE Select); coding-DNA position 1822, G replaced by T.
Protein change: p.Val608Leu; replaces valine 608 with leucine.
Molecular consequence: missense variant.
Genome position (GRCh38, 1-based): chr3:121,509,698, C>A on the plus strand (G>T on the coding strand, the complement: POLQ is on the minus strand). VCF-style: chr3-121509698-C-A. GRCh37 (hg19) VCF-style: chr3-121228545-C-A.
Other names: short protein forms V608L.
Identifiers: ClinVar variation 1780784 (VCV001780784.3), dbSNP rs1388437403, ClinGen allele CA354114064.